The following is an entry in ClinVar:

ClinVar aggregate classification (germline): Likely pathogenic (1 of 4 stars; one submission).

Conditions:
INVS-related disorder. Also called: INVS-related condition.

Submission:

PreventionGenetics, part of Exact Sciences
Classification: Likely pathogenic for INVS-related condition. Last evaluated: 2025-05-08. Review status: criteria provided, single submitter. Criteria: ACMG Guidelines, 2015. Collection method: clinical testing. Allele origin: germline.
Comment: The INVS c.616-2A>G variant is predicted to disrupt the AG splice acceptor site and interfere with normal splicing. To our knowledge, this variant has not been reported in the literature or in a large population database (gnomAD), indicating this variant is rare. Variants that disrupt the consensus splice acceptor site in INVS are expected to be pathogenic. This variant is interpreted as likely pathogenic.

NM_014425.5(INVS):c.616-2A>G

Gene: INVS (inversin; plus strand). Cytogenetic location: 9q31.1.
Variant type: single nucleotide variant.
Coding change: c.616-2A>G on transcript NM_014425.5 (MANE Select); the canonical splice acceptor site of the intron before coding-DNA position 616, A replaced by G.
Molecular consequence: splice acceptor variant.
Genome position (GRCh38, 1-based): chr9:100,240,058, A>G. VCF-style: chr9-100240058-A-G. GRCh37 (hg19) VCF-style: chr9-103002340-A-G.
Other names: c.328-2A>G (NM_001318381.2); c.-374-2A>G (NM_001318382.2).
Identifiers: ClinVar variation 4981296 (VCV004981296.1).